The following is an entry in ClinVar:

NM_152266.5(FAAP24):c.-13-42A>G

Gene: FAAP24 (FA core complex associated protein 24; plus strand). Cytogenetic location: 19q13.11.
Variant type: single nucleotide variant.
Coding change: c.-13-42A>G on transcript NM_152266.5 (MANE Select); 42 bases into the intron before 13 bases upstream of the start codon, A replaced by G.
Molecular consequence: intron variant.
Genome position (GRCh38, 1-based): chr19:32,973,142, A>G. VCF-style: chr19-32973142-A-G. GRCh37 (hg19) VCF-style: chr19-33464048-A-G.
Other names: c.-43+796A>G (NM_001300978.2).
Identifiers: ClinVar variation 2628182 (VCV002628182.2), dbSNP rs7245980, ClinGen allele CA16571228.

ClinVar aggregate classification (germline): Benign (1 of 4 stars; one submission).

Allele frequency attached by ClinVar (database versions not stated): gnomAD 0.90087; TOPMed 0.90262; 1000 Genomes Project 0.93351; 1000 Genomes Project 30x 0.93426.
gnomAD v4.1: 1,326,493 of 1,523,548 alleles (87%); highest among the groups gnomAD compares: African/African-American, 98%; 578,765 homozygotes.

Submission:

Unidad de Genómica Garrahan, Hospital de Pediatría Garrahan
Classification: Benign. Last evaluated: 2023-11-12. Review status: criteria provided, single submitter. Criteria: ACMG Guidelines, 2015. Collection method: clinical testing. Allele origin: germline. Affected: no. Observed: 91 variant alleles.
Comment: This variant is classified as Benign based on local population frequency. This variant was detected in 95% of patients studied by a panel of primary immunodeficiencies. Number of patients: 91. Only high quality variants are reported.